The following is an entry in ClinVar:

NM_000540.3(RYR1):c.14186A>G (p.His4729Arg)

Gene: RYR1 (ryanodine receptor 1; plus strand). Cytogenetic location: 19q13.2.
Variant type: single nucleotide variant.
Coding change: c.14186A>G on transcript NM_000540.3 (MANE Select); coding-DNA position 14186, A replaced by G.
Protein change: p.His4729Arg; replaces histidine 4729 with arginine.
Molecular consequence: missense variant.
Genome position (GRCh38, 1-based): chr19:38,577,931, A>G. VCF-style: chr19-38577931-A-G. GRCh37 (hg19) VCF-style: chr19-39068571-A-G.
Other names: c.14171A>G, p.His4724Arg (NM_001042723.2); short protein forms H4724R, H4729R.
Identifiers: ClinVar variation 2742310 (VCV002742310.4), dbSNP rs1568601643, ClinGen allele CA405684226.

ClinVar aggregate classification (germline): Conflicting classifications of pathogenicity. Review status: criteria provided, conflicting classifications (1 of 4 stars). 2 submissions from 2 submitters: Likely pathogenic (1); Uncertain significance (1). Last evaluated 2025-06-18.

Conditions:
RYR1-related disorder. Also called: RYR1-related condition; RYR1-related disorders. Identifiers: MedGen CN239331.

Submissions (2):

GeneDx
Classification: Likely pathogenic. Last evaluated: 2025-06-18. Review status: criteria provided, single submitter. Criteria: GeneDx Variant Classification Process June 2021. Collection method: clinical testing. Allele origin: germline. Affected: yes.
Comment: Not observed at significant frequency in large population cohorts (gnomAD); In silico analysis supports that this missense variant has a deleterious effect on protein structure/function; Has not been previously published as pathogenic or benign to our knowledge; This variant is associated with the following publications: (PMID: 20681998, 33767344)

Labcorp Genetics (formerly Invitae), Labcorp
Classification: Uncertain significance for RYR1-related disorder. Last evaluated: 2023-12-25. Review status: criteria provided, single submitter. Criteria: Invitae Variant Classification Sherloc (09022015). Collection method: clinical testing. Allele origin: germline.
Comment: This sequence change replaces histidine, which is basic and polar, with arginine, which is basic and polar, at codon 4729 of the RYR1 protein (p.His4729Arg). This variant is not present in population databases (gnomAD no frequency). This variant has not been reported in the literature in individuals affected with RYR1-related conditions. Advanced modeling of protein sequence and biophysical properties (such as structural, functional, and spatial information, amino acid conservation, physicochemical variation, residue mobility, and thermodynamic stability) performed at Invitae indicates that this missense variant is not expected to disrupt RYR1 protein function with a negative predictive value of 95%. In summary, the available evidence is currently insufficient to determine the role of this variant in disease. Therefore, it has been classified as a Variant of Uncertain Significance.